The following is an entry in ClinVar:

ClinVar aggregate classification (germline): Uncertain significance (1 of 4 stars; one submission).

Conditions:
Myopathy, proximal, and ophthalmoplegia (CMYO6). Also called: CONGENITAL MYOPATHY 6 WITH OPHTHALMOPLEGIA; MYOPATHY WITH CONGENITAL JOINT CONTRACTURES, OPHTHALMOPLEGIA, AND RIMMED VACUOLES; INCLUSION BODY MYOPATHY 3, AUTOSOMAL DOMINANT. Identifiers: Orphanet 363677, Orphanet 79091, MedGen C1854106, MONDO:0011577, OMIM 605637.

gnomAD v4.1: 1 of 1,614,204 alleles (0.000062%); highest among the groups gnomAD compares: Non-Finnish European, 0.000085%; no homozygotes.

Submission:

Labcorp Genetics (formerly Invitae), Labcorp
Classification: Uncertain significance for Myopathy, proximal, and ophthalmoplegia. Last evaluated: 2025-04-11. Review status: criteria provided, single submitter. Criteria: Invitae Variant Classification Sherloc (09022015). Collection method: clinical testing. Allele origin: germline.
Comment: This sequence change falls in intron 15 of the MYH2 gene. It does not directly change the encoded amino acid sequence of the MYH2 protein. It affects a nucleotide within the consensus splice site. This variant is not present in population databases (gnomAD no frequency). This variant has not been reported in the literature in individuals affected with MYH2-related conditions. Variants that disrupt the consensus splice site are a relatively common cause of aberrant splicing (PMID: 17576681, 9536098). Algorithms developed to predict the effect of sequence changes on RNA splicing suggest that this variant is not likely to affect RNA splicing. In summary, the available evidence is currently insufficient to determine the role of this variant in disease. Therefore, it has been classified as a Variant of Uncertain Significance.

Literature cited by the submitters: PubMed 17576681; PubMed 9536098.

NM_017534.6(MYH2):c.1587+6T>G

Genes: MYHAS (myosin heavy chain gene cluster antisense RNA; plus strand), MYH2 (myosin heavy chain 2; minus strand). Cytogenetic location: 17p13.1.
Variant type: single nucleotide variant.
Coding change: c.1587+6T>G on transcript NM_017534.6 (MANE Select); 6 bases into the intron after coding-DNA position 1587, T replaced by G.
Molecular consequence: intron variant.
Genome position (GRCh38, 1-based): chr17:10,537,659, A>C on the plus strand (T>G on the coding strand, the complement: MYH2 is on the minus strand). VCF-style: chr17-10537659-A-C. GRCh37 (hg19) VCF-style: chr17-10440976-A-C.
Other names: c.1587+6T>G (NM_001100112.2).
Identifiers: ClinVar variation 4705980 (VCV004705980.1).